The following is an entry in ClinVar:

ClinVar aggregate classification (germline): Conflicting classifications of pathogenicity. Review status: criteria provided, conflicting classifications (1 of 4 stars). 2 submissions from 2 submitters: Uncertain significance (1); Likely benign (1). Last evaluated 2026-02-01.

Conditions:
Neurodevelopmental disorder with hypotonia, brain anomalies, distinctive facies, and absent language. Also called: RNU4-2-Related Neurodevelopmental Disorder; RNU4-2–Related Autosomal Dominant Neurodevelopmental Disorder; ReNU SYNDROME. Identifiers: Orphanet 686488, MedGen C5935628, MONDO:0971172, OMIM 620851.

gnomAD v4.1: 9 of 152,098 alleles (0.0059%); highest among the groups gnomAD compares: Non-Finnish European, 0.0088%; no homozygotes.

Submissions (2):

CeGaT Center for Human Genetics Tuebingen
Classification: Likely benign. Last evaluated: 2026-02-01. Review status: criteria provided, single submitter. Criteria: CeGaT Center For Human Genetics Tuebingen Variant Classification Criteria Version 2. Collection method: clinical testing. Allele origin: germline. Affected: yes. Observed: 1 variant allele.
Comment: RNU4-2: BS2

Institute for Human Genetics, University Hospital Essen
Classification: Uncertain significance for Neurodevelopmental disorder with hypotonia, brain anomalies, distinctive facies, and absent language. Last evaluated: 2005-03-05. Review status: criteria provided, single submitter. Criteria: ACMG Guidelines, 2015. Collection method: clinical testing. Allele origin: de novo. Affected: yes.
Comment: PM2_supp, PS2

NR_003137.3(RNU4-2):n.111C>T

Genes: RNU4-2 (RNA, U4 small nuclear 2; minus strand), SIRT4 (sirtuin 4; plus strand). Cytogenetic location: 12q24.23.
Variant type: single nucleotide variant.
Molecular consequence: non-coding transcript variant (on NR_003137.3).
Genome position: GRCh38 VCF-style: chr12-120291793-G-A. GRCh37 (hg19) VCF-style: chr12-120729596-G-A.
Identifiers: ClinVar variation 3766432 (VCV003766432.5).